The following is an entry in ClinVar:

NM_001903.5(CTNNA1):c.495G>T (p.Arg165Ser)

Gene: CTNNA1 (catenin alpha 1; plus strand). Cytogenetic location: 5q31.2.
Variant type: single nucleotide variant.
Coding change: c.495G>T on transcript NM_001903.5 (MANE Select); coding-DNA position 495, G replaced by T.
Protein change: p.Arg165Ser; replaces arginine 165 with serine.
Molecular consequence: missense variant.
Genome position (GRCh38, 1-based): chr5:138,812,209, G>T. VCF-style: chr5-138812209-G-T. GRCh37 (hg19) VCF-style: chr5-138147898-G-T.
Other names: c.495G>T, p.Arg165Ser (NM_001290307.3, NM_001323982.2, NM_001323983.1 and 3 more transcripts); c.186G>T, p.Arg62Ser (NM_001290309.3); c.126G>T, p.Arg42Ser (NM_001290310.3); short protein forms R42S, R62S, R165S.
Identifiers: ClinVar variation 968071 (VCV000968071.12), dbSNP rs1758892317, ClinGen allele CA361125047.
Genomic context (GRCh38, chr5:138,812,209, plus strand): 5'-ATTTTTGGGTTTTGGGGTCTTTCTTATTTTATAGGTGGAAGATGGTATCTTGAAGTTGAG[G>T]AATGCTGGCAATGAACAAGACTTAGGAATCCAGTATAAAGCCCTAAAACCTGAAGTGGAT-3'
Protein context (NP_001894.2, residues 155-175): KVVEDGILKL[Arg165Ser]NAGNEQDLGI

ClinVar aggregate classification (germline): Uncertain significance. Review status: criteria provided, multiple submitters, no conflicts (2 of 4 stars). 3 submissions from 3 submitters: Uncertain significance (3). Last evaluated 2025-11-17.

Conditions:
Hereditary cancer-predisposing syndrome. Also called: Hereditary neoplastic syndrome; Neoplastic Syndromes, Hereditary; Hereditary Cancer Syndrome; Tumor predisposition. Identifiers: Orphanet 140162, MedGen C0027672, MeSH D009386, MONDO:0015356.
Patterned macular dystrophy 2. Identifiers: Orphanet 99001, MedGen C1837029, MONDO:0012162, OMIM 608970.

gnomAD v4.1: 1 of 1,613,642 alleles (0.000062%); no homozygotes.

Submissions (3):

Labcorp Genetics (formerly Invitae), Labcorp
Classification: Uncertain significance. Last evaluated: 2025-11-17. Review status: criteria provided, single submitter. Criteria: Invitae Variant Classification Sherloc (09022015). Collection method: clinical testing. Allele origin: germline.
Comment: This sequence change replaces arginine, which is basic and polar, with serine, which is neutral and polar, at codon 165 of the CTNNA1 protein (p.Arg165Ser). This variant is not present in population databases (gnomAD no frequency). This variant has not been reported in the literature in individuals affected with CTNNA1-related conditions. ClinVar contains an entry for this variant (Variation ID: 968071). Invitae Evidence Modeling of protein sequence and biophysical properties (such as structural, functional, and spatial information, amino acid conservation, physicochemical variation, residue mobility, and thermodynamic stability) indicates that this missense variant is not expected to disrupt CTNNA1 protein function with a negative predictive value of 80%. In summary, the available evidence is currently insufficient to determine the role of this variant in disease. Therefore, it has been classified as a Variant of Uncertain Significance.

Ambry Genetics
Classification: Uncertain significance for Hereditary cancer-predisposing syndrome. Last evaluated: 2025-10-11. Review status: criteria provided, single submitter. Criteria: Ambry Variant Classification Scheme 2023. Collection method: clinical testing. Allele origin: germline.
Comment: The p.R165S variant (also known as c.495G>T), located in coding exon 4 of the CTNNA1 gene, results from a G to T substitution at nucleotide position 495. The arginine at codon 165 is replaced by serine, an amino acid with dissimilar properties. This amino acid position is conserved. In addition, the in silico prediction for this alteration is inconclusive. Since supporting evidence is limited at this time, the clinical significance of this alteration remains unclear.

Fulgent Genetics
Classification: Uncertain significance for Patterned macular dystrophy 2. Last evaluated: 2024-05-02. Review status: criteria provided, single submitter. Criteria: ACMG Guidelines, 2015. Collection method: clinical testing. Allele origin: germline.